The following is an entry in ClinVar:

ClinVar aggregate classification (germline): Benign/Likely benign. Review status: criteria provided, multiple submitters, no conflicts (2 of 4 stars). 5 submissions from 5 submitters: Benign (2); Likely benign (3). Last evaluated 2026-02-02.

Conditions:
Neuropathy, hereditary sensory, type 2C. Also called: KIF1A-Related HSAN2 (HSAN2C); Hereditary sensory and autonomic neuropathy type IIC. Identifiers: Orphanet 970, MedGen C3280168, MONDO:0013634, OMIM 614213.
Intellectual disability, autosomal dominant 9 (NESCAVS). Also called: NESCAV SYNDROME; KIF1A-Related Neurodevelopmental Disorder. Identifiers: Orphanet 662367, MedGen C5393830, MONDO:0013656, OMIM 614255.
Hereditary spastic paraplegia 30. Identifiers: Orphanet 101010, MedGen C5235139, MONDO:0012476.

Allele frequency attached by ClinVar (database versions not stated): TOPMed 0.00901; ESP Exome Variant Server 0.00920; gnomAD 0.00961 and 0.01003; 1000 Genomes Project 0.00978.
gnomAD v4.1: 1,901 of 732,482 alleles (0.26%); highest among the groups gnomAD compares: African/African-American, 3.6%; 26 homozygotes.

Submissions (5):

Labcorp Genetics (formerly Invitae), Labcorp
Classification: Benign for Hereditary spastic paraplegia 30; Neuropathy, hereditary sensory, type 2C; Intellectual disability, autosomal dominant 9. Last evaluated: 2026-02-02. Review status: criteria provided, single submitter. Criteria: Invitae Variant Classification Sherloc (09022015). Collection method: clinical testing. Allele origin: germline.

Genomic Medicine Center of Excellence, King Faisal Specialist Hospital and Research Centre
Classification: Likely benign. Last evaluated: 2025-08-18. Review status: criteria provided, single submitter. Criteria: ACMG Guidelines, 2015. Collection method: clinical testing. Allele origin: germline.

ARUP Laboratories, Molecular Genetics and Genomics, ARUP Laboratories
Classification: Benign. Last evaluated: 2024-03-08. Review status: criteria provided, single submitter. Criteria: ARUP Molecular Germline Variant Investigation Process 2024. Collection method: clinical testing. Allele origin: germline.

GeneDx
Classification: Likely benign. Last evaluated: 2017-07-18. Review status: criteria provided, single submitter. Criteria: GeneDx Variant Classification (06012015). Collection method: clinical testing. Allele origin: germline. Affected: yes.
Comment: This variant is considered likely benign or benign based on one or more of the following criteria: it is a conservative change, it occurs at a poorly conserved position in the protein, it is predicted to be benign by multiple in silico algorithms, and/or has population frequency not consistent with disease.

Breakthrough Genomics
Classification: Likely benign. Review status: criteria provided, single submitter. Criteria: ACMG Guidelines, 2015. Collection method: not provided. Allele origin: germline. Inheritance: Autosomal recessive inheritance. Affected: yes.

NM_001244008.2(KIF1A):c.363+16C>T

Gene: KIF1A (kinesin family member 1A; minus strand). Cytogenetic location: 2q37.3.
Variant type: single nucleotide variant.
Coding change: c.363+16C>T on transcript NM_001244008.2 (MANE Select); 16 bases into the intron after coding-DNA position 363, C replaced by T.
Molecular consequence: intron variant.
Genome position (GRCh38, 1-based): chr2:240,788,035, G>A on the plus strand (C>T on the coding strand, the complement: KIF1A is on the minus strand). VCF-style: chr2-240788035-G-A. GRCh37 (hg19) VCF-style: chr2-241727452-G-A.
Other names: c.363+16C>T (NM_001379653.1, NM_001379650.1, NM_001379645.1 and 20 more transcripts).
Identifiers: ClinVar variation 378041 (VCV000378041.21), dbSNP rs7594569, ClinGen allele CA2208826.